The following is an entry in ClinVar:

ClinVar aggregate classification (germline): Uncertain significance (1 of 4 stars; one submission).

Conditions:
Alstrom syndrome (ALMS). Identifiers: Orphanet 64, MedGen C0268425, MONDO:0008763, OMIM 203800.

Allele frequency attached by ClinVar (database versions not stated): ExAC 0.00001; gnomAD exomes 0.00001.
gnomAD v4.1: 4 of 1,614,048 alleles (0.00025%); highest among the groups gnomAD compares: South Asian, 0.0011%; no homozygotes.

Submission:

Labcorp Genetics (formerly Invitae), Labcorp
Classification: Uncertain significance for Alstrom syndrome. Last evaluated: 2021-08-19. Review status: criteria provided, single submitter. Criteria: Invitae Variant Classification Sherloc (09022015). Collection method: clinical testing. Allele origin: germline.
Comment: This sequence change replaces aspartic acid with glycine at codon 1682 of the ALMS1 protein (p.Asp1682Gly). The aspartic acid residue is moderately conserved and there is a moderate physicochemical difference between aspartic acid and glycine. This variant is present in population databases (rs765044083, ExAC 0.006%). This variant has not been reported in the literature in individuals affected with ALMS1-related conditions. Experimental studies and prediction algorithms are not available or were not evaluated, and the functional significance of this variant is currently unknown. In summary, the available evidence is currently insufficient to determine the role of this variant in disease. Therefore, it has been classified as a Variant of Uncertain Significance.

NM_001378454.1(ALMS1):c.5042A>G (p.Asp1681Gly)

Gene: ALMS1 (ALMS1 centrosome and basal body associated protein; plus strand). Cytogenetic location: 2p13.1.
Variant type: single nucleotide variant.
Coding change: c.5042A>G on transcript NM_001378454.1 (MANE Select); coding-DNA position 5042, A replaced by G.
Protein change: p.Asp1681Gly; replaces aspartic acid 1681 with glycine.
Molecular consequence: missense variant.
Genome position (GRCh38, 1-based): chr2:73,451,569, A>G. VCF-style: chr2-73451569-A-G. GRCh37 (hg19) VCF-style: chr2-73678696-A-G.
Other names: c.5045A>G, p.Asp1682Gly (NM_015120.4); short protein forms D1681G, D1682G.
Identifiers: ClinVar variation 1387206 (VCV001387206.4), dbSNP rs765044083, ClinGen allele CA1713815.
Genomic context (GRCh38, chr2:73,451,569, plus strand): 5'-ATTCTACTAGCTACTCAAATAGGGGGAAGCCTGTCATTTTCTACCAGCAGACCCTATCAG[A>G]CAGTCATTTACCTGAAGAAGCTCTGAAAGTTCCACCTGTTCCTGGACCAGATGCCCAGAA-3'
Protein context (NP_001365383.1, residues 1671-1691): PVIFYQQTLS[Asp1681Gly]SHLPEEALKV